The following is an entry in ClinVar:

ClinVar aggregate classification (germline): Pathogenic (1 of 4 stars; one submission).

Conditions:
Adams-Oliver syndrome 5 (AOS5). Identifiers: Orphanet 974, MedGen C4014970, MONDO:0014459, OMIM 616028.

Submission:

Labcorp Genetics (formerly Invitae), Labcorp
Classification: Pathogenic for Adams-Oliver syndrome 5. Last evaluated: 2018-08-28. Review status: criteria provided, single submitter. Criteria: Invitae Variant Classification Sherloc (09022015). Collection method: clinical testing. Allele origin: germline.
Comment: For these reasons, this variant has been classified as Pathogenic. Loss-of-function variants in NOTCH1 are known to be pathogenic (PMID: 16025100, 21457232, 25132448, 25963545). This variant has not been reported in the literature in individuals with NOTCH1-related disease. This variant is not present in population databases (ExAC no frequency). This sequence change creates a premature translational stop signal (p.Gln184*) in the NOTCH1 gene. It is expected to result in an absent or disrupted protein product.

Literature cited by the submitters: PubMed 16025100; PubMed 21457232; PubMed 25132448; PubMed 25963545.

NM_017617.5(NOTCH1):c.550C>T (p.Gln184Ter)

Gene: NOTCH1 (notch receptor 1; minus strand). Cytogenetic location: 9q34.3.
Variant type: single nucleotide variant.
Coding change: c.550C>T on transcript NM_017617.5 (MANE Select); coding-DNA position 550, C replaced by T.
Protein change: p.Gln184Ter; replaces glutamine 184 with a stop codon.
Molecular consequence: nonsense.
Genome position (GRCh38, 1-based): chr9:136,523,042, G>A on the plus strand (C>T on the coding strand, the complement: NOTCH1 is on the minus strand). VCF-style: chr9-136523042-G-A. GRCh37 (hg19) VCF-style: chr9-139417494-G-A.
Other names: c.550C>T, p.Gln184Ter (LRG_1122t1); short protein forms Q184*.
Identifiers: ClinVar variation 645087 (VCV000645087.6), dbSNP rs1589072024, ClinGen allele CA375570372.